The following is an entry in ClinVar:

ClinVar aggregate classification (germline): Uncertain significance (1 of 4 stars; one submission).

Allele frequency attached by ClinVar (database versions not stated): gnomAD exomes 0.00001; TOPMed 0.00001.
gnomAD v4.1: 7 of 1,609,392 alleles (0.00043%); highest among the groups gnomAD compares: Middle Eastern, 0.017%; no homozygotes.

Submission:

Labcorp Genetics (formerly Invitae), Labcorp
Classification: Uncertain significance. Last evaluated: 2021-12-19. Review status: criteria provided, single submitter. Criteria: Invitae Variant Classification Sherloc (09022015). Collection method: clinical testing. Allele origin: germline.
Comment: In summary, the available evidence is currently insufficient to determine the role of this variant in disease. Therefore, it has been classified as a Variant of Uncertain Significance. Algorithms developed to predict the effect of missense changes on protein structure and function (SIFT, PolyPhen-2, Align-GVGD) all suggest that this variant is likely to be tolerated. This variant has not been reported in the literature in individuals affected with DYNC2LI1-related conditions. This variant is not present in population databases (gnomAD no frequency). This sequence change replaces histidine, which is basic and polar, with tyrosine, which is neutral and polar, at codon 281 of the DYNC2LI1 protein (p.His281Tyr).

NM_016008.4(DYNC2LI1):c.841C>T (p.His281Tyr)

Gene: DYNC2LI1 (dynein cytoplasmic 2 light intermediate chain 1; plus strand). Cytogenetic location: 2p21.
Variant type: single nucleotide variant.
Coding change: c.841C>T on transcript NM_016008.4 (MANE Select); coding-DNA position 841, C replaced by T.
Protein change: p.His281Tyr; replaces histidine 281 with tyrosine.
Molecular consequence: missense variant.
Genome position (GRCh38, 1-based): chr2:43,804,680, C>T. VCF-style: chr2-43804680-C-T. GRCh37 (hg19) VCF-style: chr2-44031819-C-T.
Other names: c.844C>T, p.His282Tyr (NM_001193464.2, NM_001348913.2); c.841C>T, p.His281Tyr (NM_001348912.2); short protein forms H281Y, H282Y.
Identifiers: ClinVar variation 1897982 (VCV001897982.5), dbSNP rs1296373129, ClinGen allele CA346660866.